The following is an entry in ClinVar:

NM_000051.4(ATM):c.886A>C (p.Lys296Gln)

Gene: ATM (ATM serine/threonine kinase; plus strand). Cytogenetic location: 11q22.3.
Variant type: single nucleotide variant.
Coding change: c.886A>C on transcript NM_000051.4 (MANE Select); coding-DNA position 886, A replaced by C.
Protein change: p.Lys296Gln; replaces lysine 296 with glutamine.
Molecular consequence: missense variant.
Genome position (GRCh38, 1-based): chr11:108,245,011, A>C. VCF-style: chr11-108245011-A-C. GRCh37 (hg19) VCF-style: chr11-108115738-A-C.
Other names: c.886A>C, p.Lys296Gln (NM_001351834.2); short protein forms K296Q.
Identifiers: ClinVar variation 1764935 (VCV001764935.2), dbSNP rs1591504793, ClinGen allele CA382529593.
Genomic context (GRCh38, chr11:108,245,011, plus strand): 5'-AAAGAAGTCATTATTGAATTATTTCAACTGCAAATTTATATCCATCATCCGAAAGGAGCC[A>C]AAACCCAAGAAAAAGGTATAAAGGAAATGTTTACTGTTTTGAATTTGCTTCTTCATTCAA-3'
Protein context (NP_000042.3, residues 286-306): QIYIHHPKGA[Lys296Gln]TQEKGAYEST

ClinVar aggregate classification (germline): Uncertain significance (1 of 4 stars; one submission).

Conditions:
Hereditary cancer-predisposing syndrome. Also called: Neoplastic Syndromes, Hereditary; Tumor predisposition; Hereditary Cancer Syndrome; Hereditary neoplastic syndrome. Identifiers: Orphanet 140162, MedGen C0027672, MeSH D009386, MONDO:0015356.

Submission:

Ambry Genetics
Classification: Uncertain significance for Hereditary cancer-predisposing syndrome. Last evaluated: 2019-08-10. Review status: criteria provided, single submitter. Criteria: Ambry Variant Classification Scheme 2023. Collection method: clinical testing. Allele origin: germline.
Comment: The p.K296Q variant (also known as c.886A>C), located in coding exon 6 of the ATM gene, results from an A to C substitution at nucleotide position 886. The lysine at codon 296 is replaced by glutamine, an amino acid with similar properties. This amino acid position is well conserved in available vertebrate species. In addition, this alteration is predicted to be tolerated by in silico analysis.